The following is an entry in ClinVar:

ClinVar aggregate classification (germline): Uncertain significance. Review status: criteria provided, multiple submitters, no conflicts (2 of 4 stars). 3 submissions from 3 submitters: Uncertain significance (3). Last evaluated 2026-08-24.

Conditions:
Cardiovascular phenotype. Identifiers: MedGen CN230736.
RASopathy. Also called: rasopathies; Noonan spectrum disorder. Identifiers: Orphanet 536391, MedGen C5555857, MONDO:0021060.

Allele frequency attached by ClinVar (database versions not stated): gnomAD exomes below 0.00001 and 0.00001; ExAC 0.00001.
gnomAD v4.1: 2 of 1,614,208 alleles (0.00012%); highest among the groups gnomAD compares: Admixed American, 0.0033%; no homozygotes.

Submissions (3):

Ambry Genetics
Classification: Uncertain significance for Cardiovascular phenotype. Last evaluated: 2026-08-24. Review status: criteria provided, single submitter. Criteria: Ambry Variant Classification Scheme 2023. Collection method: clinical testing. Allele origin: germline.
Comment: The p.V647I variant (also known as c.1939G>A), located in coding exon 16 of the RAF1 gene, results from a G to A substitution at nucleotide position 1939. The valine at codon 647 is replaced by isoleucine, an amino acid with highly similar properties. This amino acid position is conserved. In addition, this alteration is predicted to be tolerated by in silico analysis. Based on the available evidence, the clinical significance of this variant remains unclear.

Labcorp Genetics (formerly Invitae), Labcorp
Classification: Uncertain significance for RASopathy. Last evaluated: 2024-06-23. Review status: criteria provided, single submitter. Criteria: Invitae Variant Classification Sherloc (09022015). Collection method: clinical testing. Allele origin: germline.
Comment: This sequence change replaces valine, which is neutral and non-polar, with isoleucine, which is neutral and non-polar, at codon 647 of the RAF1 protein (p.Val647Ile). This variant is present in population databases (rs730881008, gnomAD 0.006%). This variant has not been reported in the literature in individuals affected with RAF1-related conditions. ClinVar contains an entry for this variant (Variation ID: 181516). Advanced modeling of protein sequence and biophysical properties (such as structural, functional, and spatial information, amino acid conservation, physicochemical variation, residue mobility, and thermodynamic stability) performed at Invitae indicates that this missense variant is not expected to disrupt RAF1 protein function with a negative predictive value of 95%. In summary, the available evidence is currently insufficient to determine the role of this variant in disease. Therefore, it has been classified as a Variant of Uncertain Significance.

GeneDx
Classification: Uncertain significance. Last evaluated: 2013-08-02. Review status: criteria provided, single submitter. Criteria: GeneDx Variant Classification (06012015). Collection method: clinical testing. Allele origin: germline. Affected: yes.
Comment: The V647I missense change has not been previously reported as a disease-causing mutation or as a benign polymorphism, to our knowledge. V647I represents a conservative amino acid substitution as both Valine and Isoleucine are uncharged, non-polar amino acids. This change occurs at a moderately conserved residue. However, this variant is not located within any known functional domain and in silico models predict this change is benign. The NHLBI ESP Exome Variant Server reports V647I was not observed in approximately 6,500 samples from individuals of European and African American backgrounds, indicating it is not a common benign variant in these populations. Although the majority of missense changes in RAF1 are pathogenic mutations, the potential for benign coding variants to exist in this gene must be considered. Based on information currently available, it is unclear whether V647I is a disease-causing mutation or a rare benign variant. The variant is found in NOONAN panel(s).

NM_002880.4(RAF1):c.1939G>A (p.Val647Ile)

Gene: RAF1 (Raf-1 proto-oncogene, serine/threonine kinase; minus strand). Cytogenetic location: 3p25.2.
Variant type: single nucleotide variant.
Coding change: c.1939G>A on transcript NM_002880.4 (MANE Select); coding-DNA position 1939, G replaced by A.
Protein change: p.Val647Ile; replaces valine 647 with isoleucine.
Molecular consequence: missense variant. On other transcripts: non-coding transcript variant (3).
Genome position (GRCh38, 1-based): chr3:12,584,522, C>T on the plus strand (G>A on the coding strand, the complement: RAF1 is on the minus strand). VCF-style: chr3-12584522-C-T. GRCh37 (hg19) VCF-style: chr3-12626021-C-T.
Other names: p.V647I:GTC>ATC; c.1999G>A, p.Val667Ile (NM_001354689.3); c.1939G>A, p.Val647Ile (NM_001354690.3); c.1696G>A, p.Val566Ile (NM_001354691.3, NM_001354692.3); c.1840G>A, p.Val614Ile (NM_001354693.3); c.1756G>A, p.Val586Ile (NM_001354694.3); c.1597G>A, p.Val533Ile (NM_001354695.3); short protein forms V647I, V566I, V586I, V533I, V614I, V667I.
Identifiers: ClinVar variation 181516 (VCV000181516.6), dbSNP rs730881008, ClinGen allele CA297145.
Genomic context (GRCh38, chr3:12,584,522, plus strand): 5'-CCTGCTGGCTTCTCCTCCTCCCCTGGCAGCCTGAAGACAGGTGCAAAGTCAACTAGAAGA[C>T]AGGCAGCCTCGGGGACGTGGTCAGCGTGCAAGCATTGATATCCTCAGTGTGGGCTGCCCG-3'
Protein context (NP_002871.1, residues 637-648): CTLTTSPRLP[Val647Ile]F